The following is an entry in ClinVar:

ClinVar aggregate classification (germline): Pathogenic/Likely pathogenic. Review status: criteria provided, multiple submitters, no conflicts (2 of 4 stars). 3 submissions from 3 submitters: Pathogenic (2); Likely pathogenic (1). Last evaluated 2026-06-01.

Conditions:
FLNB-related disorder. Also called: FLNB-related condition; FLNB-related disorders. Identifiers: MedGen CN381095.

Submissions (3):

CeGaT Center for Human Genetics Tuebingen
Classification: Pathogenic. Last evaluated: 2026-06-01. Review status: criteria provided, single submitter. Criteria: CeGaT Center For Human Genetics Tuebingen Variant Classification Criteria Version 2. Collection method: clinical testing. Allele origin: germline. Affected: yes. Observed: 1 variant allele.
Comment: FLNB: PVS1, PP1:Strong, PM2, PM3

Labcorp Genetics (formerly Invitae), Labcorp
Classification: Pathogenic. Last evaluated: 2025-12-17. Review status: criteria provided, single submitter. Criteria: Invitae Variant Classification Sherloc (09022015). Collection method: clinical testing. Allele origin: germline.
Comment: This sequence change creates a premature translational stop signal (p.Ala971Glyfs*122) in the FLNB gene. It is expected to result in an absent or disrupted protein product. Loss-of-function variants in FLNB are known to be pathogenic (PMID: 14991055). This variant is not present in population databases (gnomAD no frequency). This premature translational stop signal has been observed in individual(s) with autosomal recessive spondylocarpotarsal synostosis syndrome (PMID: 33407338). It has also been observed to segregate with disease in related individuals. ClinVar contains an entry for this variant (Variation ID: 2190805). For these reasons, this variant has been classified as Pathogenic.

Blueprint Genetics
Classification: Likely pathogenic for FLNB-related disorders. Last evaluated: 2022-04-20. Review status: criteria provided, single submitter. Criteria: ACMG Guidelines, 2015. Collection method: clinical testing. Allele origin: germline. Affected: yes. Observed: 1 variant allele.

Literature cited by the submitters: PubMed 14991055 (cited by Labcorp Genetics (formerly Invitae), Labcorp); PubMed 33407338 (cited by Labcorp Genetics (formerly Invitae), Labcorp).

NM_001457.4(FLNB):c.2911dup (p.Ala971fs)

Gene: FLNB (filamin B; plus strand). Cytogenetic location: 3p14.3.
Variant type: Duplication.
Coding change: c.2911dup on transcript NM_001457.4 (MANE Select); coding-DNA position 2911, one base duplicated (G; older notation c.2911dupG).
Protein change: p.Ala971fs; shifts the reading frame from alanine 971.
Molecular consequence: frameshift variant.
Genome position (GRCh38, 1-based): chr3:58,121,288, G duplicated; the last of 6 consecutive G bases (chr3:58,121,283-58,121,288); duplicating any one gives the same sequence. VCF-style (leftmost placement, unchanged base first): chr3-58121282-A-AG. GRCh37 (hg19) VCF-style: chr3-58107009-A-AG.
Other names: c.2911dup, p.Ala971fs (NM_001164317.2, NM_001164318.2, NM_001164319.2); short protein forms A971fs.
Identifiers: ClinVar variation 2190805 (VCV002190805.7), dbSNP rs2471116702, ClinGen allele CA2580070360.